The following is an entry in ClinVar:

NM_033272.4(KCNH7):c.1842C>T (p.Tyr614=)

Gene: KCNH7 (potassium voltage-gated channel subfamily H member 7; minus strand). Cytogenetic location: 2q24.2.
Variant type: single nucleotide variant.
Coding change: c.1842C>T on transcript NM_033272.4 (MANE Select); coding-DNA position 1842, C replaced by T.
Protein change: p.Tyr614=; no amino-acid change (tyrosine 614 retained).
Molecular consequence: synonymous variant.
Genome position (GRCh38, 1-based): chr2:162,435,310, G>A on the plus strand (C>T on the coding strand, the complement: KCNH7 is on the minus strand). VCF-style: chr2-162435310-G-A. GRCh37 (hg19) VCF-style: chr2-163291820-G-A.
Other names: c.1821C>T, p.Tyr607= (NM_173162.3).
Identifiers: ClinVar variation 3057447 (VCV003057447.2), dbSNP rs138092215, ClinGen allele CA1935616.
Genomic context (GRCh38, chr2:162,435,310, plus strand): 5'-AGACACATTCCCGAATCCTACACTGGTTAAACTGCTGAAGGTAAAATAAAGTGCTGTGAC[G>A]TATTTGTCTTTAATGGATGGTCCAGAACTTGAGTCACTGTCATTGTAACGTTTCCCAATT-3'
Protein context (NP_150375.2, residues 604-624): SSSGPSIKDK[Tyr614=]VTALYFTFSS

ClinVar aggregate classification (germline): Likely benign (0 of 4 stars; one submission).

Conditions:
KCNH7-related disorder. Also called: KCNH7-related condition.

Allele frequency attached by ClinVar (database versions not stated): gnomAD exomes 0.00001; ExAC 0.00004; ESP Exome Variant Server 0.00008; gnomAD 0.00009; TOPMed 0.00010.
gnomAD v4.1: 22 of 1,613,706 alleles (0.0014%); highest among the groups gnomAD compares: African/African-American, 0.023%; no homozygotes.

Submission:

PreventionGenetics, part of Exact Sciences
Classification: Likely benign for KCNH7-related condition. Last evaluated: 2019-04-02. Review status: no assertion criteria provided. Collection method: clinical testing. Allele origin: germline.
Comment: This variant is classified as likely benign based on ACMG/AMP sequence variant interpretation guidelines (Richards et al. 2015 PMID: 25741868, with internal and published modifications).